The following is an entry in ClinVar:

NM_006346.4(PIBF1):c.1214G>A (p.Arg405Gln)

Gene: PIBF1 (progesterone immunomodulatory binding factor 1; plus strand). Cytogenetic location: 13q22.1.
Variant type: single nucleotide variant.
Coding change: c.1214G>A on transcript NM_006346.4 (MANE Select); coding-DNA position 1214, G replaced by A.
Protein change: p.Arg405Gln; replaces arginine 405 with glutamine.
Molecular consequence: missense variant. On other transcripts: non-coding transcript variant (2).
Genome position (GRCh38, 1-based): chr13:72,835,359, G>A. VCF-style: chr13-72835359-G-A. GRCh37 (hg19) VCF-style: chr13-73409497-G-A.
Other names: c.1214G>A, p.Arg405Gln (NM_001349655.2); short protein forms R405Q.
Identifiers: ClinVar variation 217689 (VCV000217689.21), dbSNP rs17089782, ClinGen allele CA210261.

ClinVar aggregate classification (germline): Conflicting classifications of pathogenicity. Review status: criteria provided, conflicting classifications (1 of 4 stars). 10 submissions from 10 submitters: Uncertain significance (4); Benign (2); Likely benign (1). 3 of the submissions do not count toward it. Last evaluated 2026-01-13.

Conditions:
Joubert syndrome 33. Identifiers: MedGen C4540389, MONDO:0033311, OMIM 617767.
Joubert syndrome. Also called: Familial aplasia of the vermis; JOUBERT-BOLTSHAUSER SYNDROME. Identifiers: Orphanet 475, MedGen C5979921, MONDO:0018772.

Allele frequency attached by ClinVar (database versions not stated): ESP Exome Variant Server 0.00092; gnomAD exomes 0.00362 and 0.01478; gnomAD 0.00771 and 0.00832; TOPMed 0.01305; ExAC 0.01416; 1000 Genomes Project 30x 0.01671; 1000 Genomes Project 0.01777.

Submissions (10):

Labcorp Genetics (formerly Invitae), Labcorp
Classification: Benign. Last evaluated: 2026-01-13. Review status: criteria provided, single submitter. Criteria: Invitae Variant Classification Sherloc (09022015). Collection method: clinical testing. Allele origin: germline.

Blueprint Genetics
Classification: Uncertain significance. Last evaluated: 2024-11-27. Review status: criteria provided, single submitter. Criteria: ACMG Guidelines, 2015. Collection method: clinical testing. Allele origin: germline.

Department of Pathology and Laboratory Medicine, Sinai Health System
Classification: Likely benign for Joubert syndrome 33. Last evaluated: 2023-01-27. Review status: criteria provided, single submitter. Criteria: ACMG Guidelines, 2015. Collection method: research. Allele origin: germline.

Mendelics
Classification: Benign. Last evaluated: 2022-05-04. Review status: criteria provided, single submitter. Criteria: Mendelics Assertion Criteria 2019. Collection method: clinical testing. Allele origin: germline.

Laboratorio de Genetica e Diagnostico Molecular, Hospital Israelita Albert Einstein
Classification: Uncertain significance for Joubert syndrome 33. Last evaluated: 2022-02-17. Review status: criteria provided, single submitter. Criteria: ACMG Guidelines, 2015. Collection method: clinical testing. Allele origin: germline. Affected: yes.
Comment: ACMG classification criteria: PM3 moderate, BS2

Center of Genomic medicine, Geneva, University Hospital of Geneva
Classification: Uncertain significance for Joubert syndrome 33. Last evaluated: 2021-07-09. Review status: criteria provided, single submitter. Criteria: ACMG Guidelines, 2015. Collection method: clinical testing. Allele origin: maternal. Inheritance: Autosomal recessive inheritance. Affected: yes. Observed: 1 variant allele, 1 compound heterozygote.

Genomic Research Center, Shahid Beheshti University of Medical Sciences
Classification: Uncertain significance. Last evaluated: 2020-05-03. Review status: criteria provided, single submitter. Criteria: ACMG Guidelines, 2015. Collection method: clinical testing. Allele origin: unknown. Affected: no.

Reproductive Health Research and Development, BGI Genomics
Classification: Uncertain significance for Joubert syndrome. Last evaluated: 2020-01-06. Review status: no assertion criteria provided. Collection method: curation. Allele origin: germline. Not counted in ClinVar's aggregate classification.
Comment: NM_006346.2:c.1214G>A in the PIBF1 gene has an allele frequency of 0.102 in Latino subpopulation in the gnomAD database. Wheway et al reported a pedigree of family with compound heterozygous PIBF1 variants c.1214G>A p.Arg405Gln and a genomic deletion encompassing exons 6 to 9 (c.673-?_1322+?del) of PIBF1 in affected two individuals II.5 and II.7, with phase unknown (PMID: 26167768). It was reported that this variant should be excluded from BA1 rule and has been classified as VUS according to ClinGen Sequence Variant Interpretation Working Group (PMID: 30311383). ACMG/AMP criteria applied: PM3; BS2.

OMIM
Classification: Pathogenic for JOUBERT SYNDROME 33. Last evaluated: 2015-08-01. Review status: flagged submission. Collection method: literature only. Allele origin: germline. Not counted in ClinVar's aggregate classification.
ClinVar note: Reason: Outlier claim with insufficient supporting evidence

UW Hindbrain Malformation Research Program, University of Washington
Classification: Likely pathogenic for Joubert syndrome. Last evaluated: 2015-07-13. Review status: flagged submission. Criteria: Submitter's publication. Collection method: research. Allele origin: unknown. Affected: yes. Not counted in ClinVar's aggregate classification.
ClinVar note: Reason: Outlier claim with insufficient supporting evidence

Literature cited by the submitters: PubMed 26167768 (cited by Center of Genomic medicine, Geneva, University Hospital of Geneva and OMIM).